The following is an entry in ClinVar:

GRCh38/hg38 11p14.1-13(chr11:30990543-31567652)x4

Genes: DCDC1 (doublecortin domain containing 1; minus strand), DNAJC24 (DnaJ heat shock protein family (Hsp40) member C24; plus strand), ELP4 (elongator acetyltransferase complex subunit 4; plus strand), IMMP1L (inner mitochondrial membrane peptidase subunit 1; minus strand), PAX6_HS8 (HCNE8 enhancer downstream of PAX6; plus strand) and 6 more. Cytogenetic location: 11p14.1-13.
Variant type: copy number gain.
Change: copy number 4 of chr11:30,990,543-31,567,652 (577.1 kb, GRCh38 coordinates, 1-based), cytogenetic band 11p14.1-13.
Identifiers: ClinVar variation 4890965 (VCV004890965.1).

ClinVar aggregate classification (germline): Uncertain significance (1 of 4 stars; one submission).

Submission:

Clinical Genomics Laboratory, Laboratory for Precision Diagnostics, University of Washington
Classification: Uncertain significance. Last evaluated: 2023-01-26. Review status: criteria provided, single submitter. Criteria: ACMG/ClinGen CNV Guidelines, 2019. Collection method: clinical testing. Allele origin: unknown. Affected: yes. Observed: 1 variant allele.